The following is an entry in ClinVar:

NM_003775.4(S1PR4):c.261C>T (p.Asn87=)

Gene: S1PR4 (sphingosine-1-phosphate receptor 4; plus strand). Cytogenetic location: 19p13.3.
Variant type: single nucleotide variant.
Coding change: c.261C>T on transcript NM_003775.4 (MANE Select); coding-DNA position 261, C replaced by T.
Protein change: p.Asn87=; no amino-acid change (asparagine 87 retained).
Molecular consequence: synonymous variant.
Genome position (GRCh38, 1-based): chr19:3,179,053, C>T. VCF-style: chr19-3179053-C-T. GRCh37 (hg19) VCF-style: chr19-3179051-C-T.
Identifiers: ClinVar variation 2648984 (VCV002648984.24), dbSNP rs144002553, ClinGen allele CA9075602.
Genomic context (GRCh38, chr19:3,179,053, plus strand): 5'-GCTGGCGGCCATCACCAGCCACATGCGGTCGCGACGCTGGGTCTACTATTGCCTGGTGAA[C>T]ATCACGCTGAGTGACCTGCTCACGGGCGCGGCCTACCTGGCCAACGTGCTGCTGTCGGGG-3'
Protein context (NP_003766.1, residues 77-97): SRRWVYYCLV[Asn87=]ITLSDLLTGA

ClinVar aggregate classification (germline): Likely benign (1 of 4 stars; one submission).

Allele frequency attached by ClinVar (database versions not stated): 1000 Genomes Project 30x 0.00031; ExAC 0.00037; ESP Exome Variant Server 0.00054.

Submission:

CeGaT Center for Human Genetics Tuebingen
Classification: Likely benign. Last evaluated: 2022-06-01. Review status: criteria provided, single submitter. Criteria: CeGaT Center For Human Genetics Tuebingen Variant Classification Criteria Version 2. Collection method: clinical testing. Allele origin: germline. Affected: yes. Observed: 1 variant allele.
Comment: S1PR4: BP4, BP7